The following is an entry in ClinVar:

NM_005632.3(CAPN15):c.2195T>C (p.Leu732Pro)

Gene: CAPN15 (calpain 15; plus strand). Cytogenetic location: 16p13.3.
Variant type: single nucleotide variant.
Coding change: c.2195T>C on transcript NM_005632.3 (MANE Select); coding-DNA position 2195, T replaced by C.
Protein change: p.Leu732Pro; replaces leucine 732 with proline.
Molecular consequence: missense variant.
Genome position (GRCh38, 1-based): chr16:551,514, T>C. VCF-style: chr16-551514-T-C. GRCh37 (hg19) VCF-style: chr16-601514-T-C.
Other names: short protein forms L732P.
Identifiers: ClinVar variation 1700870 (VCV001700870.2), dbSNP rs2142073113, ClinGen allele CA394042080.
Genomic context (GRCh38, chr16:551,514, plus strand): 5'-TGGGGTGCCGGTGAGACTCGGGCAGTGTGGTTCAGATCCTCACCCCTGTGGTCTGCAGGC[T>C]TCTGCGGCTCCGAAACCCGTGGGGCCGTTTCTCCTGGAACGGCAGCTGGTCCGACGAGTG-3'
Protein context (NP_005623.1, residues 722-742): LDVRDVQGTR[Leu732Pro]LRLRNPWGRF

ClinVar aggregate classification (germline): Uncertain significance (1 of 4 stars; one submission).

Submission:

GeneDx
Classification: Uncertain significance. Last evaluated: 2022-02-12. Review status: criteria provided, single submitter. Criteria: GeneDx Variant Classification Process June 2021. Collection method: clinical testing. Allele origin: germline. Affected: yes.
Comment: Has not been previously published as pathogenic or benign to our knowledge; Not observed at significant frequency in large population cohorts (gnomAD); In silico analysis supports that this missense variant has a deleterious effect on protein structure/function